The following is an entry in ClinVar:

ClinVar aggregate classification (germline): Uncertain significance (1 of 4 stars; one submission).

Conditions:
Perlman syndrome (PRLMNS). Identifiers: Orphanet 2849, MedGen C0796113, MONDO:0009965, OMIM 267000.

Submission:

Labcorp Genetics (formerly Invitae), Labcorp
Classification: Uncertain significance for Perlman syndrome. Last evaluated: 2019-01-02. Review status: criteria provided, single submitter. Criteria: Invitae Variant Classification Sherloc (09022015). Collection method: clinical testing. Allele origin: germline.
Comment: This variant has not been reported in the literature in individuals with DIS3L2-related conditions. In summary, the available evidence is currently insufficient to determine the role of this variant in disease. Therefore, it has been classified as a Variant of Uncertain Significance. Algorithms developed to predict the effect of missense changes on protein structure and function output the following: SIFT: "Tolerated"; PolyPhen-2: "Benign"; Align-GVGD: "Class C0". The glutamic acid amino acid residue is found in multiple mammalian species, suggesting that this missense change does not adversely affect protein function. These predictions have not been confirmed by published functional studies and their clinical significance is uncertain. This variant is not present in population databases (ExAC no frequency). This sequence change replaces aspartic acid with glutamic acid at codon 212 of the DIS3L2 protein (p.Asp212Glu). The aspartic acid residue is weakly conserved and there is a small physicochemical difference between aspartic acid and glutamic acid.

NM_152383.5(DIS3L2):c.636T>G (p.Asp212Glu)

Gene: DIS3L2 (DIS3 like 3'-5' exoribonuclease 2; plus strand). Cytogenetic location: 2q37.1.
Variant type: single nucleotide variant.
Coding change: c.636T>G on transcript NM_152383.5 (MANE Select); coding-DNA position 636, T replaced by G.
Protein change: p.Asp212Glu; replaces aspartic acid 212 with glutamic acid.
Molecular consequence: missense variant. On other transcripts: non-coding transcript variant (2).
Genome position (GRCh38, 1-based): chr2:232,130,653, T>G. VCF-style: chr2-232130653-T-G. GRCh37 (hg19) VCF-style: chr2-232995363-T-G.
Other names: c.636T>G, p.Asp212Glu (NM_001257281.2, NM_001257282.2); short protein forms D212E.
Identifiers: ClinVar variation 853921 (VCV000853921.9), dbSNP rs1698189594, ClinGen allele CA351153155.
Genomic context (GRCh38, chr2:232,130,653, plus strand): 5'-CTTCTCTCTTTATCTTTTTAATGTAGGAAGAGAGGATGGTGATGCACCGGTTACAAAAGA[T>G]GAGACCACCTGCATTTCACAAGACACAAGAGCTTTATCGGAGAAATCCCTGCAAAGATCA-3'
Protein context (NP_689596.4, residues 202-222): REDGDAPVTK[Asp212Glu]ETTCISQDTR